The following is an entry in ClinVar:

NM_024422.6(DSC2):c.938G>C (p.Arg313Thr)

Gene: DSC2 (desmocollin 2; minus strand). Cytogenetic location: 18q12.1.
Variant type: single nucleotide variant.
Coding change: c.938G>C on transcript NM_024422.6 (MANE Select); coding-DNA position 938, G replaced by C.
Protein change: p.Arg313Thr; replaces arginine 313 with threonine.
Molecular consequence: missense variant.
Genome position (GRCh38, 1-based): chr18:31,086,580, C>G on the plus strand (G>C on the coding strand, the complement: DSC2 is on the minus strand). VCF-style: chr18-31086580-C-G. GRCh37 (hg19) VCF-style: chr18-28666543-C-G.
Other names: c.509G>C, p.Arg170Thr (NM_001406506.1, NM_001406507.1); c.938G>C, p.Arg313Thr (NM_004949.5); short protein forms R170T, R313T.
Identifiers: ClinVar variation 3070311 (VCV003070311.1), dbSNP rs1193813686, ClinGen allele CA402111713.
Genomic context (GRCh38, chr18:31,086,580, plus strand): 5'-TACAGGTACTATTGAATAGCCACGTTATAATCAGGTTTTATTAATGTTTATGTTACCTCT[C>G]TGTCTAGCTGAGATGATGTTGTGGTGATCACGCCTGTAGTTGGATGCATAGAAAATAGGG-3'
Protein context (NP_077740.1, residues 303-323): VITTTSSQLD[Arg313Thr]ELIDKYQLKI

ClinVar aggregate classification (germline): Uncertain significance (1 of 4 stars; one submission).

Conditions:
Familial isolated arrhythmogenic right ventricular dysplasia. Identifiers: Orphanet 217656, MedGen C4274968, MONDO:0016342.

Allele frequency attached by ClinVar (database versions not stated): gnomAD 0.00001; TOPMed 0.00001.
gnomAD v4.1: 1 of 1,613,994 alleles (0.000062%); highest among the groups gnomAD compares: African/African-American, 0.0013%; no homozygotes.

Submission:

All of Us Research Program, National Institutes of Health
Classification: Uncertain significance for Familial isolated arrhythmogenic right ventricular dysplasia. Last evaluated: 2023-04-03. Review status: criteria provided, single submitter. Criteria: ACMG Guidelines, 2015. Collection method: clinical testing. Allele origin: germline. Inheritance: Autosomal dominant inheritance. Observed: 1 variant allele, 1 heterozygote.
Comment: This missense variant replaces arginine with threonine at codon 313 of the DSC2 protein. Computational prediction is inconclusive regarding the impact of this variant on protein structure and function (internally defined REVEL score threshold 0.5 < inconclusive < 0.7, PMID: 27666373). To our knowledge, functional studies have not been reported for this variant. This variant has not been reported in individuals affected with DSC2-related disorders in the literature. This variant has not been identified in the general population by the Genome Aggregation Database (gnomAD). The available evidence is insufficient to determine the role of this variant in disease conclusively. Therefore, this variant is classified as a Variant of Uncertain Significance.

This study involves interpretation of variants in research participants for the purpose of population health screening. Participant phenotype was not available at the time of variant classification. Additional details can be found in publication PMID: 35346344, PMCID: PMC8962531